The following is an entry in ClinVar:

NM_001329943.3(KIAA0586):c.1099A>C (p.Lys367Gln)

Gene: KIAA0586 (KIAA0586; plus strand). Cytogenetic location: 14q23.1.
Variant type: single nucleotide variant.
Coding change: c.1099A>C on transcript NM_001329943.3 (MANE Select); coding-DNA position 1099, A replaced by C.
Protein change: p.Lys367Gln; replaces lysine 367 with glutamine.
Molecular consequence: missense variant.
Genome position (GRCh38, 1-based): chr14:58,450,716, A>C. VCF-style: chr14-58450716-A-C. GRCh37 (hg19) VCF-style: chr14-58917434-A-C.
Other names: c.1258A>C, p.Lys420Gln (NM_001244189.2); c.1054A>C, p.Lys352Gln (NM_001244190.2); c.844A>C, p.Lys282Gln (NM_001244191.2, NM_001329945.2, NM_001364700.1 and 1 more transcripts); c.967A>C, p.Lys323Gln (NM_001244192.2); c.679A>C, p.Lys227Gln (NM_001244193.2); c.1099A>C, p.Lys367Gln (NM_001329944.2, NM_001329946.2, NM_001329947.2 and 1 more transcripts); short protein forms K227Q, K352Q, K420Q, K282Q, K323Q, K367Q.
Identifiers: ClinVar variation 2193550 (VCV002193550.1), dbSNP rs756943028, ClinGen allele CA7205550.

ClinVar aggregate classification (germline): Uncertain significance (1 of 4 stars; one submission).

Conditions:
Joubert syndrome 23 (JBTS23). Identifiers: Orphanet 475, MedGen C4084822, MONDO:0014664, OMIM 616490.
Short-rib thoracic dysplasia 14 with polydactyly (SRTD14). Identifiers: Orphanet 397715, MedGen C4225286, MONDO:0014688, OMIM 616546.

Allele frequency attached by ClinVar (database versions not stated): ExAC 0.00001.
gnomAD v4.1: 2 of 1,607,458 alleles (0.00012%); highest among the groups gnomAD compares: Admixed American, 0.0017%; no homozygotes.

Submission:

Labcorp Genetics (formerly Invitae), Labcorp
Classification: Uncertain significance for Joubert syndrome 23; Short-rib thoracic dysplasia 14 with polydactyly. Last evaluated: 2022-04-09. Review status: criteria provided, single submitter. Criteria: Invitae Variant Classification Sherloc (09022015). Collection method: clinical testing. Allele origin: germline.
Comment: This sequence change replaces lysine, which is basic and polar, with glutamine, which is neutral and polar, at codon 420 of the KIAA0586 protein (p.Lys420Gln). This variant is present in population databases (rs756943028, gnomAD 0.0009%). This variant has not been reported in the literature in individuals affected with KIAA0586-related conditions. Algorithms developed to predict the effect of missense changes on protein structure and function are either unavailable or do not agree on the potential impact of this missense change (SIFT: "Deleterious"; PolyPhen-2: "Probably Damaging"; Align-GVGD: "Class C0"). In summary, the available evidence is currently insufficient to determine the role of this variant in disease. Therefore, it has been classified as a Variant of Uncertain Significance.